The following is an entry in ClinVar:

NM_022051.3(EGLN1):c.*2598G>A

Gene: EGLN1 (egl-9 family hypoxia inducible factor 1; minus strand). Cytogenetic location: 1q42.2.
Variant type: single nucleotide variant.
Coding change: c.*2598G>A on transcript NM_022051.3 (MANE Select); 2598 bases downstream of the stop codon, G replaced by A.
Molecular consequence: 3 prime UTR variant.
Genome position (GRCh38, 1-based): chr1:231,363,813, C>T on the plus strand (G>A on the coding strand, the complement: EGLN1 is on the minus strand). VCF-style: chr1-231363813-C-T. GRCh37 (hg19) VCF-style: chr1-231499559-C-T.
Other names: c.*2659G>A (NM_001377260.1); c.*2704G>A (NM_001377261.1).
Identifiers: ClinVar variation 296142 (VCV000296142.5), dbSNP rs77496832, ClinGen allele CA10609304.

ClinVar aggregate classification (germline): Benign (1 of 4 stars; one submission).

Conditions:
Erythrocytosis, familial, 3 (ECYT3). Identifiers: Orphanet 247511, MedGen C1853286, MONDO:0012353, OMIM 609820.

Allele frequency attached by ClinVar (database versions not stated): gnomAD 0.00195 and 0.00236; TOPMed 0.00299; 1000 Genomes Project 30x 0.00781; 1000 Genomes Project 0.00799.

Submission:

Illumina Laboratory Services, Illumina
Classification: Benign for Erythrocytosis, familial, 3. Last evaluated: 2018-01-12. Review status: criteria provided, single submitter. Criteria: ICSL Variant Classification Criteria 13 December 2019. Collection method: clinical testing. Allele origin: germline.
Comment: This variant was observed in the ICSL laboratory as part of a predisposition screen in an ostensibly healthy population. It had not been previously curated by ICSL or reported in the Human Gene Mutation Database (HGMD: prior to June 1st, 2018), and was therefore a candidate for classification through an automated scoring system. Utilizing variant allele frequency, disease prevalence and penetrance estimates, and inheritance mode, an automated score was calculated to assess if this variant is too frequent to cause the disease. Based on the score and internal cut-off values, a variant classified as benign is not then subjected to further curation. The score for this variant resulted in a classification of benign for this disease.